The following is an entry in ClinVar:

ClinVar aggregate classification (germline): Uncertain significance (1 of 4 stars; one submission).

Allele frequency attached by ClinVar (database versions not stated): gnomAD exomes below 0.00001; TOPMed below 0.00001.
gnomAD v4.1: 1 of 1,613,696 alleles (0.000062%); highest among the groups gnomAD compares: Admixed American, 0.0017%; no homozygotes.

Submission:

Labcorp Genetics (formerly Invitae), Labcorp
Classification: Uncertain significance. Last evaluated: 2022-08-19. Review status: criteria provided, single submitter. Criteria: Invitae Variant Classification Sherloc (09022015). Collection method: clinical testing. Allele origin: germline.
Comment: In summary, the available evidence is currently insufficient to determine the role of this variant in disease. Therefore, it has been classified as a Variant of Uncertain Significance. Algorithms developed to predict the effect of missense changes on protein structure and function output the following: SIFT: "Tolerated"; PolyPhen-2: "Benign"; Align-GVGD: "Class C0". The isoleucine amino acid residue is found in multiple mammalian species, which suggests that this missense change does not adversely affect protein function. This variant has not been reported in the literature in individuals affected with LAMA1-related conditions. This variant is present in population databases (no rsID available, gnomAD 0.003%). This sequence change replaces valine, which is neutral and non-polar, with isoleucine, which is neutral and non-polar, at codon 1622 of the LAMA1 protein (p.Val1622Ile).

NM_005559.4(LAMA1):c.4864G>A (p.Val1622Ile)

Gene: LAMA1 (laminin subunit alpha 1; minus strand). Cytogenetic location: 18p11.31.
Variant type: single nucleotide variant.
Coding change: c.4864G>A on transcript NM_005559.4 (MANE Select); coding-DNA position 4864, G replaced by A.
Protein change: p.Val1622Ile; replaces valine 1622 with isoleucine.
Molecular consequence: missense variant.
Genome position (GRCh38, 1-based): chr18:6,995,389, C>T on the plus strand (G>A on the coding strand, the complement: LAMA1 is on the minus strand). VCF-style: chr18-6995389-C-T. GRCh37 (hg19) VCF-style: chr18-6995388-C-T.
Other names: short protein forms V1622I.
Identifiers: ClinVar variation 1716743 (VCV001716743.5), dbSNP rs891272376, ClinGen allele CA295762668.